The following is an entry in ClinVar:

NM_002547.3(OPHN1):c.2363G>A (p.Arg788Gln)

Gene: OPHN1 (oligophrenin 1; minus strand). Cytogenetic location: Xq12.
Variant type: single nucleotide variant.
Coding change: c.2363G>A on transcript NM_002547.3 (MANE Select); coding-DNA position 2363, G replaced by A.
Protein change: p.Arg788Gln; replaces arginine 788 with glutamine.
Molecular consequence: missense variant.
Genome position (GRCh38, 1-based): chrX:68,052,552, C>T on the plus strand (G>A on the coding strand, the complement: OPHN1 is on the minus strand). VCF-style: chrX-68052552-C-T. GRCh37 (hg19) VCF-style: chrX-67272394-C-T.
Other names: short protein forms R788Q.
Identifiers: ClinVar variation 225074 (VCV000225074.12), dbSNP rs192628082, ClinGen allele CA358170.

ClinVar aggregate classification (germline): Uncertain significance. Review status: criteria provided, multiple submitters, no conflicts (2 of 4 stars). 4 submissions from 4 submitters: Uncertain significance (4). Last evaluated 2026-01-01.

Conditions:
Inborn genetic diseases. Identifiers: MedGen C0950123, MeSH D030342.
Intellectual developmental disorder, X-linked, syndromic, Billuart type. Also called: X-linked intellectual disability-cerebellar hypoplasia syndrome; MENTAL RETARDATION, X-LINKED 60. Identifiers: Orphanet 137831, MedGen C1845366, MONDO:0010337, OMIM 300486.

Allele frequency attached by ClinVar (database versions not stated): TOPMed 0.00001; gnomAD exomes 0.00002 and 0.00004; ExAC 0.00006; gnomAD 0.00006; 1000 Genomes Project 0.00053; 1000 Genomes Project 30x 0.00062.
gnomAD v4.1: 32 of 1,205,036 alleles (0.0027%); highest among the groups gnomAD compares: East Asian, 0.012%; no homozygotes.

Submissions (4):

CeGaT Center for Human Genetics Tuebingen
Classification: Uncertain significance. Last evaluated: 2026-01-01. Review status: criteria provided, single submitter. Criteria: CeGaT Center For Human Genetics Tuebingen Variant Classification Criteria Version 2. Collection method: clinical testing. Allele origin: germline. Affected: yes. Observed: 1 variant allele.

Labcorp Genetics (formerly Invitae), Labcorp
Classification: Uncertain significance. Last evaluated: 2025-08-29. Review status: criteria provided, single submitter. Criteria: Invitae Variant Classification Sherloc (09022015). Collection method: clinical testing. Allele origin: germline.
Comment: This sequence change replaces arginine, which is basic and polar, with glutamine, which is neutral and polar, at codon 788 of the OPHN1 protein (p.Arg788Gln). The frequency data for this variant in the population databases is considered unreliable, as metrics indicate poor data quality at this position in the gnomAD database. This missense change has been observed in individual(s) with clinical features of OPHN1-related conditions (PMID: 23552953, 26542245). ClinVar contains an entry for this variant (Variation ID: 225074). An algorithm developed to predict the effect of missense changes on protein structure and function (PolyPhen-2) suggests that this variant is likely to be disruptive. In summary, the available evidence is currently insufficient to determine the role of this variant in disease. Therefore, it has been classified as a Variant of Uncertain Significance.

Fulgent Genetics
Classification: Uncertain significance for Intellectual developmental disorder, X-linked, syndromic, Billuart type. Last evaluated: 2021-07-15. Review status: criteria provided, single submitter. Criteria: ACMG Guidelines, 2015. Collection method: clinical testing. Allele origin: unknown.

Ambry Genetics
Classification: Uncertain significance for Inborn genetic diseases. Last evaluated: 2016-09-29. Review status: criteria provided, single submitter. Criteria: Ambry Autosomal Dominant and X-Linked criteria (10/2015). Collection method: clinical testing. Allele origin: germline. Observed: 1 variant allele.
Comment: There is insufficient or conflicting evidence for classification of this alteration.

Literature cited by the submitters: PubMed 23552953 (cited by Labcorp Genetics (formerly Invitae), Labcorp); PubMed 26542245 (cited by Labcorp Genetics (formerly Invitae), Labcorp).